The following is an entry in ClinVar:

ClinVar aggregate classification (germline): Uncertain significance (1 of 4 stars; one submission).

Allele frequency attached by ClinVar (database versions not stated): ExAC 0.00001.

Submission:

Labcorp Genetics (formerly Invitae), Labcorp
Classification: Uncertain significance. Last evaluated: 2022-07-03. Review status: criteria provided, single submitter. Criteria: Invitae Variant Classification Sherloc (09022015). Collection method: clinical testing. Allele origin: germline.
Comment: Algorithms developed to predict the effect of missense changes on protein structure and function (SIFT, PolyPhen-2, Align-GVGD) all suggest that this variant is likely to be tolerated. This variant has not been reported in the literature in individuals affected with PAFAH1B1-related conditions. This variant is present in population databases (rs745785490, gnomAD 0.006%). This sequence change replaces lysine, which is basic and polar, with arginine, which is basic and polar, at codon 351 of the PAFAH1B1 protein (p.Lys351Arg). In summary, the available evidence is currently insufficient to determine the role of this variant in disease. Therefore, it has been classified as a Variant of Uncertain Significance.

NM_000430.4(PAFAH1B1):c.1052A>G (p.Lys351Arg)

Gene: PAFAH1B1 (platelet activating factor acetylhydrolase 1b regulatory subunit 1; plus strand). Cytogenetic location: 17p13.3.
Variant type: single nucleotide variant.
Coding change: c.1052A>G on transcript NM_000430.4 (MANE Select); coding-DNA position 1052, A replaced by G.
Protein change: p.Lys351Arg; replaces lysine 351 with arginine.
Molecular consequence: missense variant.
Genome position (GRCh38, 1-based): chr17:2,680,213, A>G. VCF-style: chr17-2680213-A-G. GRCh37 (hg19) VCF-style: chr17-2583507-A-G.
Other names: short protein forms K351R.
Identifiers: ClinVar variation 1927296 (VCV001927296.5), dbSNP rs745785490, ClinGen allele CA8283313.